The following is an entry in ClinVar:

ClinVar aggregate classification (germline): Uncertain significance (1 of 4 stars; one submission).

Allele frequency attached by ClinVar (database versions not stated): TOPMed below 0.00001.

Submission:

GeneDx
Classification: Uncertain significance. Last evaluated: 2023-03-22. Review status: criteria provided, single submitter. Criteria: GeneDx Variant Classification Process June 2021. Collection method: clinical testing. Allele origin: germline. Affected: yes.
Comment: Not observed at significant frequency in large population cohorts (gnomAD); In silico analysis supports that this missense variant does not alter protein structure/function; Has not been previously published as pathogenic or benign to our knowledge

NM_015001.3(SPEN):c.8297T>G (p.Val2766Gly)

Gene: SPEN (spen family transcriptional repressor; plus strand). Cytogenetic location: 1p36.13.
Variant type: single nucleotide variant.
Coding change: c.8297T>G on transcript NM_015001.3 (MANE Select); coding-DNA position 8297, T replaced by G.
Protein change: p.Val2766Gly; replaces valine 2766 with glycine.
Molecular consequence: missense variant.
Genome position (GRCh38, 1-based): chr1:15,934,537, T>G. VCF-style: chr1-15934537-T-G. GRCh37 (hg19) VCF-style: chr1-16261032-T-G.
Other names: short protein forms V2766G.
Identifiers: ClinVar variation 2580645 (VCV002580645.1), dbSNP rs2071255515, ClinGen allele CA338649714.